The following is an entry in ClinVar:

ClinVar aggregate classification (germline): Pathogenic (1 of 4 stars; one submission).

Conditions:
Myopathy, lactic acidosis, and sideroblastic anemia 1 (MLASA1). Identifiers: Orphanet 2598, MedGen C4551958, MONDO:0024553, OMIM 600462.

Submission:

Myriad Genetics, Inc.
Classification: Pathogenic for Myopathy, lactic acidosis, and sideroblastic anemia 1. Last evaluated: 2023-09-27. Review status: criteria provided, single submitter. Criteria: Myriad Autosomal Dominant, Autosomal Recessive and X-Linked Classification Criteria (2023). Collection method: clinical testing. Allele origin: unknown.
Comment: NM_025215.5(PUS1):c.315dupG(S106Vfs*8) is expected to be pathogenic in the context of myopathy, lactic acidosis, and sideroblastic anemia 1. This variant is predicted to lead to an abnormal or absent protein product due to the creation of a premature termination codon in PUS1, a gene where loss-of-function variants are known to be pathogenic. Please note: this variant was assessed in the context of healthy population screening.

NM_025215.6(PUS1):c.315dup (p.Ser106fs)

Genes: PUS1 (pseudouridine synthase 1; plus strand), LOC132090059 (Neanderthal introgressed variant-containing enhancer experimental_25941; plus strand). Cytogenetic location: 12q24.33.
Variant type: Duplication.
Coding change: c.315dup on transcript NM_025215.6 (MANE Select); coding-DNA position 315, one base duplicated (G; older notation c.315dupG).
Protein change: p.Ser106fs; shifts the reading frame from serine 106.
Molecular consequence: frameshift variant.
Genome position (GRCh38, 1-based): chr12:131,932,186, G duplicated; the last of 3 consecutive G bases (chr12:131,932,184-131,932,186); duplicating any one gives the same sequence. VCF-style (leftmost placement, unchanged base first): chr12-131932183-C-CG. GRCh37 (hg19) VCF-style: chr12-132416728-C-CG.
Other names: c.231dup, p.Ser78fs (NM_001002019.3, NM_001002020.3); short protein forms S106fs, S78fs.
Identifiers: ClinVar variation 5012020 (VCV005012020.1).